The following is an entry in ClinVar:

ClinVar aggregate classification (germline): Uncertain significance (1 of 4 stars; one submission).

Allele frequency attached by ClinVar (database versions not stated): gnomAD exomes below 0.00001; TOPMed below 0.00001.
gnomAD v4.1: 1 of 1,211,936 alleles (0.000083%); highest among the groups gnomAD compares: Non-Finnish European, 0.00011%; no homozygotes.

Submission:

Labcorp Genetics (formerly Invitae), Labcorp
Classification: Uncertain significance. Last evaluated: 2024-05-07. Review status: criteria provided, single submitter. Criteria: Invitae Variant Classification Sherloc (09022015). Collection method: clinical testing. Allele origin: germline.
Comment: This sequence change replaces lysine, which is basic and polar, with glutamic acid, which is acidic and polar, at codon 314 of the BGN protein (p.Lys314Glu). This variant is not present in population databases (gnomAD no frequency). This variant has not been reported in the literature in individuals affected with BGN-related conditions. Advanced modeling of protein sequence and biophysical properties (such as structural, functional, and spatial information, amino acid conservation, physicochemical variation, residue mobility, and thermodynamic stability) performed at Invitae indicates that this missense variant is not expected to disrupt BGN protein function with a negative predictive value of 80%. In summary, the available evidence is currently insufficient to determine the role of this variant in disease. Therefore, it has been classified as a Variant of Uncertain Significance.

NM_001711.6(BGN):c.940A>G (p.Lys314Glu)

Gene: BGN (biglycan; plus strand). Cytogenetic location: Xq28.
Variant type: single nucleotide variant.
Coding change: c.940A>G on transcript NM_001711.6 (MANE Select); coding-DNA position 940, A replaced by G.
Protein change: p.Lys314Glu; replaces lysine 314 with glutamic acid.
Molecular consequence: missense variant.
Genome position (GRCh38, 1-based): chrX:153,508,278, A>G. VCF-style: chrX-153508278-A-G. GRCh37 (hg19) VCF-style: chrX-152773736-A-G.
Other names: short protein forms K314E.
Identifiers: ClinVar variation 2786074 (VCV002786074.3), dbSNP rs2089817865, ClinGen allele CA415071687.